The following is an entry in ClinVar:

ClinVar aggregate classification (germline): Pathogenic (1 of 4 stars; one submission).

Conditions:
Familial hemophagocytic lymphohistiocytosis 5. Also called: STXBP2-Related Familial Hemophagocytic Lymphohistiocytosis (STXBP2-fHLH). Identifiers: Orphanet 540, MedGen C2751293, MONDO:0013135, OMIM 613101.

Submission:

Labcorp Genetics (formerly Invitae), Labcorp
Classification: Pathogenic for Familial hemophagocytic lymphohistiocytosis 5. Last evaluated: 2026-01-12. Review status: criteria provided, single submitter. Criteria: Invitae Variant Classification Sherloc (09022015). Collection method: clinical testing. Allele origin: germline.
Comment: This sequence change creates a premature translational stop signal (p.Trp519*) in the STXBP2 gene. It is expected to result in an absent or disrupted protein product. Loss-of-function variants in STXBP2 are known to be pathogenic (PMID: 19804848, 22451424). This variant is not present in population databases (gnomAD no frequency). This variant has not been reported in the literature in individuals affected with STXBP2-related conditions. For these reasons, this variant has been classified as Pathogenic.

Literature cited by the submitters: PubMed 19804848; PubMed 22451424.

NM_006949.4(STXBP2):c.1557G>A (p.Trp519Ter)

Gene: STXBP2 (syntaxin binding protein 2; plus strand). Cytogenetic location: 19p13.2.
Variant type: single nucleotide variant.
Coding change: c.1557G>A on transcript NM_006949.4 (MANE Select); coding-DNA position 1557, G replaced by A.
Protein change: p.Trp519Ter; replaces tryptophan 519 with a stop codon.
Molecular consequence: nonsense. On other transcripts: non-coding transcript variant (1).
Genome position (GRCh38, 1-based): chr19:7,647,372, G>A. VCF-style: chr19-7647372-G-A. GRCh37 (hg19) VCF-style: chr19-7712258-G-A.
Other names: c.1548G>A, p.Trp516Ter (NM_001127396.3); c.1590G>A, p.Trp530Ter (NM_001272034.2); c.1461G>A, p.Trp487Ter (NM_001414484.1); short protein forms W516*, W530*, W519*, W487*.
Identifiers: ClinVar variation 4735221 (VCV004735221.1).